The following is an entry in ClinVar:

NM_006648.4(WNK2):c.2311G>T (p.Ala771Ser)

Gene: WNK2 (WNK lysine deficient protein kinase 2; plus strand). Cytogenetic location: 9q22.31.
Variant type: single nucleotide variant.
Coding change: c.2311G>T on transcript NM_006648.4 (MANE Select); coding-DNA position 2311, G replaced by T.
Protein change: p.Ala771Ser; replaces alanine 771 with serine.
Molecular consequence: missense variant.
Genome position (GRCh38, 1-based): chr9:93,257,068, G>T. VCF-style: chr9-93257068-G-T. GRCh37 (hg19) VCF-style: chr9-96019350-G-T.
Other names: c.2311G>T, p.Ala771Ser (NM_001282394.3); short protein forms A771S.
Identifiers: ClinVar variation 5031844 (VCV005031844.1).

ClinVar aggregate classification (germline): Uncertain significance (1 of 4 stars; one submission).

gnomAD v4.1: 4 of 1,606,250 alleles (0.00025%); highest among the groups gnomAD compares: South Asian, 0.0011%; no homozygotes.

Submission:

Ambry Genetics
Classification: Uncertain significance. Last evaluated: 2026-07-11. Review status: criteria provided, single submitter. Criteria: Ambry Variant Classification Scheme 2023. Collection method: clinical testing. Allele origin: germline.
Comment: The p.A771S variant (also known as c.2311G>T), located in coding exon 10 of the WNK2 gene, results from a G to T substitution at nucleotide position 2311. The alanine at codon 771 is replaced by serine, an amino acid with similar properties. This amino acid position is conserved. In addition, this alteration is predicted to be tolerated by in silico analysis. Based on the available evidence, the clinical significance of this variant remains unclear.